The following is an entry in ClinVar:

NM_001123385.2(BCOR):c.2150A>G (p.Gln717Arg)

Gene: BCOR (BCL6 corepressor; minus strand). Cytogenetic location: Xp11.4.
Variant type: single nucleotide variant.
Coding change: c.2150A>G on transcript NM_001123385.2 (MANE Select); coding-DNA position 2150, A replaced by G.
Protein change: p.Gln717Arg; replaces glutamine 717 with arginine.
Molecular consequence: missense variant.
Genome position (GRCh38, 1-based): chrX:40,073,196, T>C on the plus strand (A>G on the coding strand, the complement: BCOR is on the minus strand). VCF-style: chrX-40073196-T-C. GRCh37 (hg19) VCF-style: chrX-39932449-T-C.
Other names: c.2150A>G, p.Gln717Arg (NM_001123383.2, NM_001123384.2, NM_017745.6); short protein forms Q717R.
Identifiers: ClinVar variation 2631963 (VCV002631963.1), dbSNP rs2519972825, ClinGen allele CA412743606.

ClinVar aggregate classification (germline): Uncertain significance (1 of 4 stars; one submission).

Conditions:
BCOR-related disorder. Also called: BCOR-related condition; BCOR-related disorders.

Submission:

PreventionGenetics, part of Exact Sciences
Classification: Uncertain significance for BCOR-related condition. Last evaluated: 2023-06-30. Review status: criteria provided, single submitter. Criteria: ACMG Guidelines, 2015. Collection method: clinical testing. Allele origin: germline.
Comment: The BCOR c.2150A>G variant is predicted to result in the amino acid substitution p.Gln717Arg. To our knowledge, this variant has not been reported in the literature or in a large population database, indicating this variant is rare. At this time, the clinical significance of this variant is uncertain due to the absence of conclusive functional and genetic evidence.